The following is an entry in ClinVar:

NM_000525.4(KCNJ11):c.185C>T (p.Thr62Met)

Gene: KCNJ11 (potassium inwardly rectifying channel subfamily J member 11; minus strand). Cytogenetic location: 11p15.1.
Variant type: single nucleotide variant.
Coding change: c.185C>T on transcript NM_000525.4 (MANE Select); coding-DNA position 185, C replaced by T.
Protein change: p.Thr62Met; replaces threonine 62 with methionine.
Molecular consequence: missense variant. On other transcripts: intron variant (3).
Genome position (GRCh38, 1-based): chr11:17,387,907, G>A on the plus strand (C>T on the coding strand, the complement: KCNJ11 is on the minus strand). VCF-style: chr11-17387907-G-A. GRCh37 (hg19) VCF-style: chr11-17409454-G-A.
Other names: c.-16-61C>T (NM_001166290.2, NM_001377297.1, NM_001377296.1); short protein forms T62M.
Identifiers: ClinVar variation 435559 (VCV000435559.15), dbSNP rs1057518775, ClinGen allele CA379775836.

ClinVar aggregate classification (germline): Conflicting classifications of pathogenicity. Review status: criteria provided, conflicting classifications (1 of 4 stars). 7 submissions from 7 submitters: Likely pathogenic (4); Uncertain significance (2). 1 of the submissions does not count toward it. Last evaluated 2025-07-30.

Conditions:
Maturity-onset diabetes of the young (MODY). Also called: Maturity onset diabetes mellitus in young. Identifiers: Orphanet 552, MedGen C0342276, MONDO:0018911, HP:0004904.
Familial hyperinsulinism. Also called: Congenital hyperinsulinism. Identifiers: Orphanet 276525, MedGen C3888018, MONDO:0017182. Disease mechanism: loss of function.
KCNJ11-related disorder. Also called: KCNJ11-related condition; KCNJ11-related disorders.

Allele frequency attached by ClinVar (database versions not stated): gnomAD exomes below 0.00001; gnomAD 0.00001.

Submissions (7):

Labcorp Genetics (formerly Invitae), Labcorp
Classification: Likely pathogenic. Last evaluated: 2025-07-30. Review status: criteria provided, single submitter. Criteria: Invitae Variant Classification Sherloc (09022015). Collection method: clinical testing. Allele origin: germline.
Comment: This sequence change replaces threonine, which is neutral and polar, with methionine, which is neutral and non-polar, at codon 62 of the KCNJ11 protein (p.Thr62Met). This variant is present in population databases (no rsID available, gnomAD 0.02%). This missense change has been observed in individuals with autosomal recessive congenital hyperinsulinism (PMID: 23275527, 24401662). This variant has been reported in individual(s) with clinical features of autosomal dominant KCNJ11-related conditions (PMID: 25201519, 36227502); however, the role of the variant in this condition is currently unclear. ClinVar contains an entry for this variant (Variation ID: 435559). Invitae Evidence Modeling of protein sequence and biophysical properties (such as structural, functional, and spatial information, amino acid conservation, physicochemical variation, residue mobility, and thermodynamic stability) indicates that this missense variant is expected to disrupt KCNJ11 protein function with a positive predictive value of 95%. In summary, the currently available evidence indicates that the variant is pathogenic, but additional data are needed to prove that conclusively. Therefore, this variant has been classified as Likely Pathogenic.

Women's Health and Genetics/Laboratory Corporation of America, LabCorp
Classification: Likely pathogenic for Familial hyperinsulinism. Last evaluated: 2025-06-13. Review status: criteria provided, single submitter. Criteria: LabCorp Variant Classification Summary - May 2015. Collection method: clinical testing. Allele origin: germline.
Comment: Variant summary: KCNJ11 c.185C>T (p.Thr62Met) results in a non-conservative amino acid change in the encoded protein sequence. Algorithms developed to predict the effect of missense changes on protein structure and function all suggest that this variant is likely to be disruptive. The variant allele was found at a frequency of 3.7e-06 in 1608810 control chromosomes, predominantly at a frequency of 5.1e-06 within the non-Finnish European subpopulation in the gnomAD database. The frequency in this subpopulation may exceed the maximum expected pathogenic allele frequency for the autosomal dominant Neonatal Diabetes Mellitus/Maturity Onset Diabetes Of The Young (1.3e-06), however the number of available alleles in the gnomAD dataset (6) did not meet internal thresholds for benign population evidence. c.185C>T has been observed in both the homozygous and heterozygous state in multiple individual(s) affected with autosomal recessive and autosomal dominant (paternally inherited) Congenital Hyperinsulinism and/or MODY (example, Arya_2014, Ba_2024, Mohnike_2014, Marucci_2023). These data indicate that the variant is likely to be associated with disease. To our knowledge, no experimental evidence demonstrating an impact on protein function has been reported. The following publications have been ascertained in the context of this evaluation (PMID: 25201519, 39190464, 24401662, 36227502). ClinVar contains an entry for this variant (Variation ID: 435559). While this variant has been reported in the literature, the clinical significance of the variant for autosomal dominant Neonatal Diabetes Mellitus/Maturity Onset Diabetes Of The Young could not be established. Based on the evidence outlined above, the variant was classified as likely pathogenic for autosomal recessive diffuse or paternally-inherited congenital hyperinsulinism.

Blueprint Genetics
Classification: Likely pathogenic for KCNJ11-related disorders. Last evaluated: 2024-05-17. Review status: criteria provided, single submitter. Criteria: ACMG Guidelines, 2015. Collection method: clinical testing. Allele origin: germline. Affected: yes. Observed: 5 variant alleles.

GeneDx
Classification: Uncertain significance. Last evaluated: 2022-05-16. Review status: criteria provided, single submitter. Criteria: GeneDx Variant Classification Process June 2021. Collection method: clinical testing. Allele origin: germline. Affected: yes.
Comment: In silico analysis supports that this missense variant has a deleterious effect on protein structure/function; This variant is associated with the following publications: (PMID: 32935446, 22701567, 15718250, 20642364, 15580558, 25201519, 24401662)

Genetic Services Laboratory, University of Chicago
Classification: Likely pathogenic. Last evaluated: 2017-10-06. Review status: criteria provided, single submitter. Criteria: ACMG Guidelines, 2015. Collection method: clinical testing. Allele origin: germline. Affected: yes.

Clinical Genomics, Uppaluri K&H Personalized Medicine Clinic
Classification: Uncertain significance for Maturity-onset diabetes of the young. Review status: criteria provided, single submitter. Criteria: K & H Uppaluri Personalized Medicine Clinic Variant Classification & Assertion Criteria_Updated V.1. Collection method: research. Allele origin: somatic. Inheritance: Autosomal dominant inheritance.
Comment: Mutations in KCNJ11 gene can cause decreased production and secretion of insulin. This can lead to MODY which may be responsive to oral sulfonylureas. It is also associated with Neonatal Diabetes. However, no sufficient evidence is found to ascertain the role of this particular variant (rs1057518775) in MODY yet.

PreventionGenetics, part of Exact Sciences
Classification: Likely pathogenic for KCNJ11-related condition. Last evaluated: 2024-07-25. Review status: no assertion criteria provided. Collection method: clinical testing. Allele origin: germline. Not counted in ClinVar's aggregate classification.
Comment: The KCNJ11 c.185C>T variant is predicted to result in the amino acid substitution p.Thr62Met. This variant has been reported in the heterozygous state in patients with diazoxide-responsive congenital hyperinsulinism (paternally inherited in Arya et al. 2014. PubMed ID: 25201519; Snider et al. 2013. PubMed ID: 23275527). In the homozygous state, this variant was also reported in two independent consanguineous families of Turkish descent with diffuse congenital hyperinsulinism (Mohnike et al. 2014. PubMed ID: 24401662). This variant is reported in 0.019% of alleles in individuals of European (non-Finnish) descent in gnomAD. These observations suggest that this variant is likely pathogenic and its mode of inheritance (dominant or recessive) depends on the genetic context.

Literature cited by the submitters: PubMed 23275527 (cited by Labcorp Genetics (formerly Invitae), Labcorp); PubMed 24401662 (cited by Labcorp Genetics (formerly Invitae), Labcorp and Women's Health and Genetics/Laboratory Corporation of America, LabCorp); PubMed 25201519 (cited by Labcorp Genetics (formerly Invitae), Labcorp and Women's Health and Genetics/Laboratory Corporation of America, LabCorp); PubMed 36227502 (cited by Labcorp Genetics (formerly Invitae), Labcorp and Women's Health and Genetics/Laboratory Corporation of America, LabCorp); PubMed 39190464 (cited by Women's Health and Genetics/Laboratory Corporation of America, LabCorp); PubMed 26448950 (cited by Clinical Genomics, Uppaluri K&H Personalized Medicine Clinic); PubMed 15580558 (cited by Clinical Genomics, Uppaluri K&H Personalized Medicine Clinic); PubMed 15718250 (cited by Clinical Genomics, Uppaluri K&H Personalized Medicine Clinic); PubMed 32935446 (cited by Clinical Genomics, Uppaluri K&H Personalized Medicine Clinic); PubMed 22701567 (cited by Clinical Genomics, Uppaluri K&H Personalized Medicine Clinic).